The following is an entry in ClinVar:

ClinVar aggregate classification (germline): Uncertain significance (1 of 4 stars; one submission).

Allele frequency attached by ClinVar (database versions not stated): ExAC 0.00002; gnomAD 0.00003.
gnomAD v4.1: 22 of 1,608,074 alleles (0.0014%); highest among the groups gnomAD compares: Admixed American, 0.02%; no homozygotes.

Submission:

Labcorp Genetics (formerly Invitae), Labcorp
Classification: Uncertain significance. Last evaluated: 2022-07-06. Review status: criteria provided, single submitter. Criteria: Invitae Variant Classification Sherloc (09022015). Collection method: clinical testing. Allele origin: germline.
Comment: This sequence change replaces alanine, which is neutral and non-polar, with valine, which is neutral and non-polar, at codon 485 of the MAP3K20 protein (p.Ala485Val). This variant is present in population databases (rs748593233, gnomAD 0.02%). This variant has not been reported in the literature in individuals affected with MAP3K20-related conditions. Experimental studies and prediction algorithms are not available or were not evaluated, and the functional significance of this variant is currently unknown. In summary, the available evidence is currently insufficient to determine the role of this variant in disease. Therefore, it has been classified as a Variant of Uncertain Significance.

NM_016653.3(MAP3K20):c.1454C>T (p.Ala485Val)

Genes: MAP3K20 (mitogen-activated protein kinase kinase kinase 20; plus strand), MAP3K20-AS1 (MAP3K20 antisense RNA 1; minus strand). Cytogenetic location: 2q31.1.
Variant type: single nucleotide variant.
Coding change: c.1454C>T on transcript NM_016653.3 (MANE Select); coding-DNA position 1454, C replaced by T.
Protein change: p.Ala485Val; replaces alanine 485 with valine.
Molecular consequence: missense variant.
Genome position (GRCh38, 1-based): chr2:173,258,793, C>T. VCF-style: chr2-173258793-C-T. GRCh37 (hg19) VCF-style: chr2-174123521-C-T.
Other names: short protein forms A485V.
Identifiers: ClinVar variation 1907547 (VCV001907547.2), dbSNP rs748593233, ClinGen allele CA1970851.